The following is an entry in ClinVar:

ClinVar aggregate classification (germline): Uncertain significance (1 of 4 stars; one submission).

Submission:

Ambry Genetics
Classification: Uncertain significance. Last evaluated: 2026-07-05. Review status: criteria provided, single submitter. Criteria: Ambry Variant Classification Scheme 2023. Collection method: clinical testing. Allele origin: germline.
Comment: The p.L620P variant (also known as c.1859T>C), located in coding exon 18 of the KIF1B gene, results from a T to C substitution at nucleotide position 1859. The leucine at codon 620 is replaced by proline, an amino acid with similar properties. This amino acid position is conserved. In addition, this alteration is predicted to be deleterious by in silico analysis. Based on the available evidence, the clinical significance of this variant remains unclear.

NM_001365951.3(KIF1B):c.1997T>C (p.Leu666Pro)

Gene: KIF1B (kinesin family member 1B; plus strand). Cytogenetic location: 1p36.22.
Variant type: single nucleotide variant.
Coding change: c.1997T>C on transcript NM_001365951.3 (MANE Select); coding-DNA position 1997, T replaced by C.
Protein change: p.Leu666Pro; replaces leucine 666 with proline.
Molecular consequence: missense variant.
Genome position (GRCh38, 1-based): chr1:10,297,032, T>C. VCF-style: chr1-10297032-T-C. GRCh37 (hg19) VCF-style: chr1-10357090-T-C.
Other names: c.1997T>C, p.Leu666Pro (NM_001365952.1); c.1859T>C, p.Leu620Pro (NM_001365953.1, NM_015074.3, NM_183416.4); short protein forms L620P, L666P.
Identifiers: ClinVar variation 5023182 (VCV005023182.1).